The following is an entry in ClinVar:

ClinVar aggregate classification (germline): Conflicting classifications of pathogenicity. Review status: criteria provided, conflicting classifications (1 of 4 stars). 9 submissions from 6 submitters: Uncertain significance (5); Benign (1); Likely benign (3). Last evaluated 2026-05-21.

Conditions:
Hereditary cancer-predisposing syndrome. Also called: Neoplastic Syndromes, Hereditary; Hereditary neoplastic syndrome; Hereditary Cancer Syndrome; Tumor predisposition. Identifiers: Orphanet 140162, MedGen C0027672, MeSH D009386, MONDO:0015356.
Neurofibromatosis, type 1 (NF1). Also called: Neurofibromatosis, type I; VON RECKLINGHAUSEN DISEASE; Peripheral type neurofibromatosis; NEUROFIBROMATOSIS, TYPE I, SOMATIC. Identifiers: Orphanet 636, MedGen C0027831, MONDO:0018975, OMIM 162200. Disease mechanism: loss of function.
Café-au-lait macules with pulmonary stenosis (WTSN). Also called: PULMONIC STENOSIS WITH CAFE-AU-LAIT SPOTS. Identifiers: MedGen C0553586, MONDO:0008672, OMIM 193520.
Neurofibromatosis-Noonan syndrome (NFNS). Also called: NEUROFIBROMATOSIS WITH NOONAN PHENOTYPE. Identifiers: Orphanet 638, MedGen C2931482, MONDO:0011035, OMIM 601321. Disease mechanism: loss of function.
Neurofibromatosis, familial spinal (FSNF). Identifiers: Orphanet 636, MedGen C1834235, MONDO:0008078, OMIM 162210. Disease mechanism: loss of function.

Allele frequency attached by ClinVar (database versions not stated): gnomAD exomes 0.00001.
gnomAD v4.1: 3 of 1,614,140 alleles (0.00019%); highest among the groups gnomAD compares: South Asian, 0.0022%; no homozygotes.

Submissions (9):

Myriad Genetics, Inc.
Classification: Benign for Neurofibromatosis, type 1. Last evaluated: 2026-05-21. Review status: criteria provided, single submitter. Criteria: Myriad Autosomal Dominant, Autosomal Recessive and X-Linked Classification Criteria (2023). Collection method: clinical testing. Allele origin: unknown.
Comment: This variant is considered benign. This variant is a silent/synonymous amino acid change and it is not expected to impact splicing.

Institute for Biomarker Research, Medical Diagnostic Laboratories, L.L.C.
Classification: Uncertain significance for Hereditary cancer-predisposing syndrome. Last evaluated: 2025-12-08. Review status: criteria provided, single submitter. Criteria: ACMG Guidelines, 2015. Collection method: clinical testing. Allele origin: germline.
Comment: The synonymous variant NM_000267.3(NF1):c.6492G>A (p.Arg2164=) has not been reported previously as a pathogenic variant, to our knowledge (Accession: VCV000186748.19). The p.Arg2164= variant is novel (not in any individuals) in 1kG. The p.Arg2164= variant is not predicted to disrupt an existing splice site. The p.Arg2164= variant results in a substitution of a base that is not predicted conserved by GERP++ and PhyloP. For these reasons, this variant has been classified as Uncertain Significance.

Labcorp Genetics (formerly Invitae), Labcorp
Classification: Likely benign for Neurofibromatosis, type 1. Last evaluated: 2025-08-13. Review status: criteria provided, single submitter. Criteria: Invitae Variant Classification Sherloc (09022015). Collection method: clinical testing. Allele origin: germline.

GeneDx
Classification: Likely benign. Last evaluated: 2020-07-21. Review status: criteria provided, single submitter. Criteria: GeneDx Variant Classification Process June 2021. Collection method: clinical testing. Allele origin: germline. Affected: yes.
Comment: Not observed in large population cohorts (Lek et al., 2016); In silico analysis supports that this variant does not alter splicing; Has not been previously published as pathogenic or benign to our knowledge

Illumina Laboratory Services, Illumina
Classification: Uncertain significance for Neurofibromatosis, type 1. Last evaluated: 2018-01-13. Review status: criteria provided, single submitter. Criteria: ICSL Variant Classification Criteria 13 December 2019. Collection method: clinical testing. Allele origin: germline.

Illumina Laboratory Services, Illumina
Classification: Uncertain significance for Neurofibromatosis-Noonan syndrome. Last evaluated: 2018-01-13. Review status: criteria provided, single submitter. Criteria: ICSL Variant Classification Criteria 13 December 2019. Collection method: clinical testing. Allele origin: germline.

Illumina Laboratory Services, Illumina
Classification: Uncertain significance for Neurofibromatosis, familial spinal. Last evaluated: 2018-01-13. Review status: criteria provided, single submitter. Criteria: ICSL Variant Classification Criteria 13 December 2019. Collection method: clinical testing. Allele origin: germline.

Illumina Laboratory Services, Illumina
Classification: Uncertain significance for Café-au-lait macules with pulmonary stenosis. Last evaluated: 2018-01-13. Review status: criteria provided, single submitter. Criteria: ICSL Variant Classification Criteria 13 December 2019. Collection method: clinical testing. Allele origin: germline.

Ambry Genetics
Classification: Likely benign for Hereditary cancer-predisposing syndrome. Last evaluated: 2014-10-15. Review status: criteria provided, single submitter. Criteria: Ambry Autosomal Dominant and X-Linked criteria (10/2015). Collection method: clinical testing. Allele origin: germline. Observed: 1 variant allele.

NM_001042492.3(NF1):c.6555G>A (p.Arg2185=)

Gene: NF1 (neurofibromin 1; plus strand). Cytogenetic location: 17q11.2.
Variant type: single nucleotide variant.
Coding change: c.6555G>A on transcript NM_001042492.3 (MANE Select); coding-DNA position 6555, G replaced by A.
Protein change: p.Arg2185=; no amino-acid change (arginine 2185 retained).
Molecular consequence: synonymous variant.
Genome position (GRCh38, 1-based): chr17:31,337,495, G>A. VCF-style: chr17-31337495-G-A. GRCh37 (hg19) VCF-style: chr17-29664513-G-A.
Other names: c.6492G>A, p.Arg2164= (NM_000267.4).
Identifiers: ClinVar variation 186748 (VCV000186748.22), dbSNP rs786203189, ClinGen allele CA195752.
Genomic context (GRCh38, chr17:31,337,495, plus strand): 5'-TGGCATTAGCAAAGTCAAGTCAGCTGCTGTCATTGCCTTCCGTTCCAGTTACCGGGACAG[G>A]TCATTCTCTCCTGGCTCCTATGAGAGAGAGACTTTTGCTTTGACATCCTTGGAAACAGTC-3'
Protein context (NP_001035957.1, residues 2175-2195): VIAFRSSYRD[Arg2185=]SFSPGSYERE